The following is an entry in ClinVar:

ClinVar aggregate classification (germline): Uncertain significance (1 of 4 stars; one submission).

Conditions:
Cenani-Lenz syndactyly syndrome. Also called: CENANI SYNDACTYLISM; SYNDACTYLY, TYPE VII. Identifiers: Orphanet 3258, MedGen C1859309, MONDO:0008931, OMIM 212780.
Congenital myasthenic syndrome 17. Identifiers: Orphanet 590, MedGen C4225377, MONDO:0014578, OMIM 616304.
Sclerosteosis 2 (SOST2). Identifiers: Orphanet 3152, MedGen C3280402, MONDO:0013679, OMIM 614305.

Submission:

Labcorp Genetics (formerly Invitae), Labcorp
Classification: Uncertain significance for Cenani-Lenz syndactyly syndrome; Sclerosteosis 2; Congenital myasthenic syndrome 17. Last evaluated: 2021-09-25. Review status: criteria provided, single submitter. Criteria: Invitae Variant Classification Sherloc (09022015). Collection method: clinical testing. Allele origin: germline.
Comment: This variant has not been reported in the literature in individuals with LRP4-related conditions. In summary, the available evidence is currently insufficient to determine the role of this variant in disease. Therefore, it has been classified as a Variant of Uncertain Significance. Algorithms developed to predict the effect of missense changes on protein structure and function output the following: SIFT: "Deleterious"; PolyPhen-2: "Benign"; Align-GVGD: "Class C0". The isoleucine amino acid residue is found in multiple mammalian species, suggesting that this missense change does not adversely affect protein function. These predictions have not been confirmed by published functional studies and their clinical significance is uncertain. This variant is not present in population databases (ExAC no frequency). This sequence change replaces valine with isoleucine at codon 1714 of the LRP4 protein (p.Val1714Ile). The valine residue is highly conserved and there is a small physicochemical difference between valine and isoleucine.

NM_002334.4(LRP4):c.5140G>A (p.Val1714Ile)

Genes: LRP4 (LDL receptor related protein 4; minus strand), LRP4-AS1 (LRP4 antisense RNA 1; plus strand). Cytogenetic location: 11p11.2.
Variant type: single nucleotide variant.
Coding change: c.5140G>A on transcript NM_002334.4 (MANE Select); coding-DNA position 5140, G replaced by A.
Protein change: p.Val1714Ile; replaces valine 1714 with isoleucine.
Molecular consequence: missense variant.
Genome position (GRCh38, 1-based): chr11:46,865,134, C>T on the plus strand (G>A on the coding strand, the complement: LRP4 is on the minus strand). VCF-style: chr11-46865134-C-T. GRCh37 (hg19) VCF-style: chr11-46886685-C-T.
Other names: short protein forms V1714I.
Identifiers: ClinVar variation 1438099 (VCV001438099.6), dbSNP rs1002830453, ClinGen allele CA221623375.